The following is an entry in ClinVar:

NM_024870.4(PREX2):c.4180C>T (p.Arg1394Trp)

Gene: PREX2 (phosphatidylinositol-3,4,5-trisphosphate dependent Rac exchange factor 2; plus strand). Cytogenetic location: 8q13.2.
Variant type: single nucleotide variant.
Coding change: c.4180C>T on transcript NM_024870.4 (MANE Select); coding-DNA position 4180, C replaced by T.
Protein change: p.Arg1394Trp; replaces arginine 1394 with tryptophan.
Molecular consequence: missense variant.
Genome position (GRCh38, 1-based): chr8:68,146,301, C>T. VCF-style: chr8-68146301-C-T. GRCh37 (hg19) VCF-style: chr8-69058536-C-T.
Other names: short protein forms R1394W.
Identifiers: ClinVar variation 787704 (VCV000787704.6), dbSNP rs61753703, ClinGen allele CA4774691.
Genomic context (GRCh38, chr8:68,146,301, plus strand): 5'-CGGCAAGCTCTGAAAGTTTACTTCTACATTGATAGTTATCATTTTGAACAACTTCCTCAA[C>T]GGCTGAAAAATGGAGGAGGGTTTAAAATTCATCCTGTTCTTTTTGCACAAGGTAAACTGT-3'
Protein context (NP_079146.2, residues 1384-1404): DSYHFEQLPQ[Arg1394Trp]LKNGGGFKIH

ClinVar aggregate classification (germline): Benign. Review status: criteria provided, multiple submitters, no conflicts (2 of 4 stars). 3 submissions from 3 submitters: Benign (2). 1 of the submissions does not count toward it. Last evaluated 2018-06-08.

Conditions:
PREX2-related disorder. Also called: PREX2-related condition.

Allele frequency attached by ClinVar (database versions not stated): gnomAD 0.00656 and 0.00694; ESP Exome Variant Server 0.00707; TOPMed 0.00781; 1000 Genomes Project 30x 0.01187; 1000 Genomes Project 0.01298.
gnomAD v4.1: 10,626 of 1,612,668 alleles (0.66%); highest among the groups gnomAD compares: East Asian, 2.5%; 56 homozygotes.

Submissions (3):

Labcorp Genetics (formerly Invitae), Labcorp
Classification: Benign. Last evaluated: 2018-06-08. Review status: criteria provided, single submitter. Criteria: Invitae Variant Classification Sherloc (09022015). Collection method: clinical testing. Allele origin: germline.

Breakthrough Genomics
Classification: Benign. Review status: criteria provided, single submitter. Criteria: ACMG Guidelines, 2015. Collection method: not provided. Allele origin: germline. Inheritance: Unknown mechanism. Affected: yes.

PreventionGenetics, part of Exact Sciences
Classification: Benign for PREX2-related condition. Last evaluated: 2019-02-19. Review status: no assertion criteria provided. Collection method: clinical testing. Allele origin: germline. Not counted in ClinVar's aggregate classification.
Comment: This variant is classified as benign based on ACMG/AMP sequence variant interpretation guidelines (Richards et al. 2015 PMID: 25741868, with internal and published modifications).